The following is an entry in ClinVar:

NM_000815.5(GABRD):c.1056_1059+15dup

Gene: GABRD (gamma-aminobutyric acid type A receptor subunit delta; plus strand). Cytogenetic location: 1p36.33.
Variant type: Duplication.
Coding change: c.1056_1059+15dup on transcript NM_000815.5 (MANE Select); coding-DNA position 1056 through 15 bases into the intron after coding-DNA position 1059, 19 bases duplicated (AGAGGTGAGGGCCTGGGGC).
Molecular consequence: splice donor variant.
Genome position (GRCh38, 1-based): chr1:2,029,759-2,029,777, AGAGGTGAGGGCCTGGGGC duplicated; duplicating any 19 consecutive bases within chr1:2,029,755-2,029,777 gives the same sequence; the c. name uses the placement nearest the transcript's 3' end. VCF-style (leftmost placement, unchanged base first): chr1-2029754-A-AGGGCAGAGGTGAGGGCCTG. GRCh37 (hg19) VCF-style: chr1-1961193-A-AGGGCAGAGGTGAGGGCCTG.
Identifiers: ClinVar variation 3715037 (VCV003715037.2).

ClinVar aggregate classification (germline): Uncertain significance (1 of 4 stars; one submission).

Conditions:
Idiopathic generalized epilepsy. Also called: EIG; Generalised epilepsy. Identifiers: MedGen C0270850, MONDO:0005579, OMIM 600669.

Submission:

Labcorp Genetics (formerly Invitae), Labcorp
Classification: Uncertain significance for Idiopathic generalized epilepsy. Last evaluated: 2024-06-13. Review status: criteria provided, single submitter. Criteria: Invitae Variant Classification Sherloc (09022015). Collection method: clinical testing. Allele origin: germline.
Comment: This sequence change falls in intron 8 of the GABRD gene. It does not directly change the encoded amino acid sequence of the GABRD protein. This variant is present in population databases (no rsID available, gnomAD 0.0009%). This variant has not been reported in the literature in individuals affected with GABRD-related conditions. Experimental studies and prediction algorithms are not available or were not evaluated, and the effect of this variant on mRNA splicing is currently unknown. In summary, the available evidence is currently insufficient to determine the role of this variant in disease. Therefore, it has been classified as a Variant of Uncertain Significance.